The following is an entry in ClinVar:

ClinVar aggregate classification (germline): Uncertain significance (1 of 4 stars; one submission).

Submission:

Labcorp Genetics (formerly Invitae), Labcorp
Classification: Uncertain significance. Last evaluated: 2025-01-24. Review status: criteria provided, single submitter. Criteria: Invitae Variant Classification Sherloc (09022015). Collection method: clinical testing. Allele origin: germline.
Comment: This sequence change falls in intron 14 of the PDE4D gene. It does not directly change the encoded amino acid sequence of the PDE4D protein. This variant is not present in population databases (gnomAD no frequency). This variant has not been reported in the literature in individuals affected with PDE4D-related conditions. Experimental studies and prediction algorithms are not available or were not evaluated, and the effect of this variant on mRNA splicing is currently unknown. In summary, the available evidence is currently insufficient to determine the role of this variant in disease. Therefore, it has been classified as a Variant of Uncertain Significance.

NM_001104631.2(PDE4D):c.2014-58_2014-20del

Gene: PDE4D (phosphodiesterase 4D; minus strand). Cytogenetic location: 5q11.2.
Variant type: Deletion.
Coding change: c.2014-58_2014-20del on transcript NM_001104631.2 (MANE Select); 58 bases into the intron before coding-DNA position 2014 through 20 bases into the intron before coding-DNA position 2014, 39 bases deleted.
Molecular consequence: intron variant.
Genome position (GRCh38, 1-based): chr5:58,975,100-58,975,138, 39 bases deleted; deleting any 39 consecutive bases within chr5:58,975,100-58,975,140 gives the same sequence; the c. name uses the placement nearest the transcript's 3' end. GRCh37 (hg19): chr5:58,270,929-58,270,967.
Other names: c.1831-58_1831-20del (NM_001364599.1, NM_001165899.2); c.1246-58_1246-20del (NM_001349243.2, NM_001364604.1); c.1801-58_1801-20del (NM_001349241.2); c.1822-58_1822-20del (NM_001197218.2); c.1108-58_1108-20del (NM_001364603.1, NM_001197221.2); c.1606-58_1606-20del (NM_006203.5); c.1684-58_1684-20del (NM_001349242.2); c.1648-58_1648-20del (NM_001197219.2); and 3 more.
Identifiers: ClinVar variation 3701307 (VCV003701307.2).